The following is an entry in ClinVar:

ClinVar aggregate classification (germline): Likely benign (0 of 4 stars; one submission).

Conditions:
GAPVD1-related disorder. Also called: GAPVD1-related condition.

Allele frequency attached by ClinVar (database versions not stated): ExAC 0.00003.
gnomAD v4.1: 14 of 1,614,002 alleles (0.00087%); highest among the groups gnomAD compares: South Asian, 0.014%; no homozygotes.

Submission:

PreventionGenetics, part of Exact Sciences
Classification: Likely benign for GAPVD1-related condition. Last evaluated: 2019-06-21. Review status: no assertion criteria provided. Collection method: clinical testing. Allele origin: germline.
Comment: This variant is classified as likely benign based on ACMG/AMP sequence variant interpretation guidelines (Richards et al. 2015 PMID: 25741868, with internal and published modifications).

NM_001282680.3(GAPVD1):c.3261C>T (p.Ser1087=)

Gene: GAPVD1 (GTPase activating protein and VPS9 domains 1; plus strand). Cytogenetic location: 9q33.3.
Variant type: single nucleotide variant.
Coding change: c.3261C>T on transcript NM_001282680.3 (MANE Select); coding-DNA position 3261, C replaced by T.
Protein change: p.Ser1087=; no amino-acid change (serine 1087 retained).
Molecular consequence: synonymous variant. On other transcripts: non-coding transcript variant (2).
Genome position (GRCh38, 1-based): chr9:125,349,481, C>T. VCF-style: chr9-125349481-C-T. GRCh37 (hg19) VCF-style: chr9-128111760-C-T.
Other names: c.3315C>T, p.Ser1105= (NM_001282679.2); c.3198C>T, p.Ser1066= (NM_001282681.3, NM_001354297.2, NM_001354300.2); c.3117C>T, p.Ser1039= (NM_001330777.3); c.3180C>T, p.Ser1060= (NM_001330778.3); c.3261C>T, p.Ser1087= (NM_001354294.2, NM_001354295.2, NM_001354296.2 and 3 more transcripts); c.3342C>T, p.Ser1114= (NM_015635.4).
Identifiers: ClinVar variation 3043403 (VCV003043403.2), dbSNP rs746894109, ClinGen allele CA5240705.